The following is an entry in ClinVar:

NM_205768.3(ZBTB18):c.1450T>C (p.Phe484Leu)

Gene: ZBTB18 (zinc finger and BTB domain containing 18; plus strand). Cytogenetic location: 1q44.
Variant type: single nucleotide variant.
Coding change: c.1450T>C on transcript NM_205768.3 (MANE Select); coding-DNA position 1450, T replaced by C.
Protein change: p.Phe484Leu; replaces phenylalanine 484 with leucine.
Molecular consequence: missense variant. On other transcripts: 3 prime UTR variant (1).
Genome position (GRCh38, 1-based): chr1:244,055,224, T>C. VCF-style: chr1-244055224-T-C. GRCh37 (hg19) VCF-style: chr1-244218526-T-C.
Other names: c.1423T>C, p.Phe475Leu (NM_001278196.2, NM_006352.5); c.*627T>C (NM_001421566.1); short protein forms F475L, F484L.
Identifiers: ClinVar variation 2636305 (VCV002636305.1), dbSNP rs2527561605, ClinGen allele CA345675162.
Genomic context (GRCh38, chr1:244,055,224, plus strand): 5'-CGCCATGCCGTGGTGCACACCCGCGAGAAGCCGCACGCCTGCAAGTGGTGCGAGCGCAGG[T>C]TCACGCAGTCCGGGGACCTGTACAGACACATTCGCAAGTTCCACTGTGAGTTGGTGAACT-3'
Protein context (NP_991331.1, residues 474-494): PHACKWCERR[Phe484Leu]TQSGDLYRHI

ClinVar aggregate classification (germline): Uncertain significance (1 of 4 stars; one submission).

Conditions:
ZBTB18-related disorder. Also called: ZBTB18-related condition.

Submission:

PreventionGenetics, part of Exact Sciences
Classification: Uncertain significance for ZBTB18-related condition. Last evaluated: 2022-08-18. Review status: criteria provided, single submitter. Criteria: ACMG Guidelines, 2015. Collection method: clinical testing. Allele origin: germline.
Comment: The ZBTB18 c.1450T>C variant is predicted to result in the amino acid substitution p.Phe484Leu. To our knowledge, this variant has not been reported in the literature or in a large population database, indicating this variant is rare. At this time, the clinical significance of this variant is uncertain due to the absence of conclusive functional and genetic evidence.